The following is an entry in ClinVar:

ClinVar aggregate classification (germline): Uncertain significance (1 of 4 stars; one submission).

Submission:

Women's Health and Genetics/Laboratory Corporation of America, LabCorp
Classification: Uncertain significance. Last evaluated: 2025-04-10. Review status: criteria provided, single submitter. Criteria: LabCorp Variant Classification Summary - May 2015. Collection method: clinical testing. Allele origin: germline.
Comment: Variant summary: USH2A c.8885T>A (p.Leu2962His) results in a non-conservative amino acid change in the encoded protein sequence. Four of five in-silico tools predict a damaging effect of the variant on protein function. The variant was absent in 251036 control chromosomes. The available data on variant occurrences in the general population are insufficient to allow any conclusion about variant significance. c.8885T>A has been reported in the literature in an individual from an inherited retinal disease cohort (Karali_2022). This report does not provide unequivocal conclusions about association of the variant with Usher Syndrome. To our knowledge, no experimental evidence demonstrating an impact on protein function has been reported. The following publication has been ascertained in the context of this evaluation (PMID: 36460718). No submitters have cited clinical-significance assessments for this variant to ClinVar. Based on the evidence outlined above, the variant was classified as uncertain significance.

Literature cited by the submitters: PubMed 36460718.

NM_206933.4(USH2A):c.8885T>A (p.Leu2962His)

Gene: USH2A (usherin; minus strand). Cytogenetic location: 1q41.
Variant type: single nucleotide variant.
Coding change: c.8885T>A on transcript NM_206933.4 (MANE Select); coding-DNA position 8885, T replaced by A.
Protein change: p.Leu2962His; replaces leucine 2962 with histidine.
Molecular consequence: missense variant.
Genome position (GRCh38, 1-based): chr1:215,845,994, A>T on the plus strand (T>A on the coding strand, the complement: USH2A is on the minus strand). VCF-style: chr1-215845994-A-T. GRCh37 (hg19) VCF-style: chr1-216019336-A-T.
Other names: short protein forms L2962H.
Identifiers: ClinVar variation 3896356 (VCV003896356.2).